The following is an entry in ClinVar:

NM_004260.4(RECQL4):c.3019C>T (p.Leu1007Phe)

Gene: RECQL4 (RecQ like helicase 4; minus strand). Cytogenetic location: 8q24.3.
Variant type: single nucleotide variant.
Coding change: c.3019C>T on transcript NM_004260.4 (MANE Select); coding-DNA position 3019, C replaced by T.
Protein change: p.Leu1007Phe; replaces leucine 1007 with phenylalanine.
Molecular consequence: missense variant.
Genome position (GRCh38, 1-based): chr8:144,512,428, G>A on the plus strand (C>T on the coding strand, the complement: RECQL4 is on the minus strand). VCF-style: chr8-144512428-G-A. GRCh37 (hg19) VCF-style: chr8-145737811-G-A.
Other names: short protein forms L1007F.
Identifiers: ClinVar variation 529021 (VCV000529021.8), dbSNP rs1342565479, ClinGen allele CA372671385.

ClinVar aggregate classification (germline): Uncertain significance. Review status: criteria provided, multiple submitters, no conflicts (2 of 4 stars). 2 submissions from 2 submitters: Uncertain significance (2). Last evaluated 2025-12-10.

Conditions:
Baller-Gerold syndrome (BGS). Also called: CRANIOSYNOSTOSIS WITH RADIAL DEFECTS. Identifiers: Orphanet 1225, MedGen C0265308, MONDO:0009039, OMIM 218600.

Allele frequency attached by ClinVar (database versions not stated): gnomAD exomes below 0.00001; gnomAD 0.00001; TOPMed 0.00002.
gnomAD v4.1: 20 of 1,608,674 alleles (0.0012%); highest among the groups gnomAD compares: Non-Finnish European, 0.0016%; no homozygotes.

Submissions (2):

Labcorp Genetics (formerly Invitae), Labcorp
Classification: Uncertain significance for Baller-Gerold syndrome. Last evaluated: 2025-12-10. Review status: criteria provided, single submitter. Criteria: Invitae Variant Classification Sherloc (09022015). Collection method: clinical testing. Allele origin: germline.
Comment: This sequence change replaces leucine, which is neutral and non-polar, with phenylalanine, which is neutral and non-polar, at codon 1007 of the RECQL4 protein (p.Leu1007Phe). This variant is present in population databases (no rsID available, gnomAD 0.0009%). This variant has not been reported in the literature in individuals affected with RECQL4-related conditions. ClinVar contains an entry for this variant (Variation ID: 529021). Invitae Evidence Modeling of protein sequence and biophysical properties (such as structural, functional, and spatial information, amino acid conservation, physicochemical variation, residue mobility, and thermodynamic stability) has been performed for this missense variant. However, the output from this modeling did not meet the statistical confidence thresholds required to predict the impact of this variant on RECQL4 protein function. In summary, the available evidence is currently insufficient to determine the role of this variant in disease. Therefore, it has been classified as a Variant of Uncertain Significance.

Blueprint Genetics
Classification: Uncertain significance. Last evaluated: 2023-06-26. Review status: criteria provided, single submitter. Criteria: ACMG Guidelines, 2015. Collection method: clinical testing. Allele origin: germline.